The following is an entry in ClinVar:

NM_001377.3(DYNC2H1):c.5125C>T (p.Gln1709Ter)

Gene: DYNC2H1 (dynein cytoplasmic 2 heavy chain 1; plus strand). Cytogenetic location: 11q22.3.
Variant type: single nucleotide variant.
Coding change: c.5125C>T on transcript NM_001377.3 (MANE Select); coding-DNA position 5125, C replaced by T.
Protein change: p.Gln1709Ter; replaces glutamine 1709 with a stop codon.
Molecular consequence: nonsense.
Genome position (GRCh38, 1-based): chr11:103,170,264, C>T. VCF-style: chr11-103170264-C-T. GRCh37 (hg19) VCF-style: chr11-103040993-C-T.
Other names: c.5125C>T, p.Gln1709Ter (NM_001080463.2); short protein forms Q1709*.
Identifiers: ClinVar variation 2706064 (VCV002706064.3), dbSNP rs1861514878, ClinGen allele CA382241396.

ClinVar aggregate classification (germline): Pathogenic (1 of 4 stars; one submission).

Conditions:
Jeune thoracic dystrophy. Also called: Infantile thoracic dystrophy; Thoracic pelvic phalangeal dystrophy; Jeune's syndrome; Chondroectodermal dysplasia-like syndrome; Short-rib thoracic dysplasia; Jeune syndrome. Identifiers: Orphanet 474, MedGen C0265275, MONDO:0018770.

Submission:

Labcorp Genetics (formerly Invitae), Labcorp
Classification: Pathogenic for Jeune thoracic dystrophy. Last evaluated: 2025-03-17. Review status: criteria provided, single submitter. Criteria: Invitae Variant Classification Sherloc (09022015). Collection method: clinical testing. Allele origin: germline.
Comment: This sequence change creates a premature translational stop signal (p.Gln1709*) in the DYNC2H1 gene. It is expected to result in an absent or disrupted protein product. Loss-of-function variants in DYNC2H1 are known to be pathogenic (PMID: 23339108, 32753734, 33755199). This variant is not present in population databases (gnomAD no frequency). This variant has not been reported in the literature in individuals affected with DYNC2H1-related conditions. ClinVar contains an entry for this variant (Variation ID: 2706064). Algorithms developed to predict the effect of sequence changes on RNA splicing suggest that this variant may disrupt the consensus splice site. For these reasons, this variant has been classified as Pathogenic.

Literature cited by the submitters: PubMed 23339108; PubMed 32753734; PubMed 33755199.